The following is an entry in ClinVar:

ClinVar aggregate classification (germline): Uncertain significance. Review status: criteria provided, multiple submitters, no conflicts (2 of 4 stars). 2 submissions from 2 submitters: Uncertain significance (2). Last evaluated 2024-04-24.

Conditions:
Inborn genetic diseases. Identifiers: MedGen C0950123, MeSH D030342.

gnomAD v4.1: 7 of 1,500,768 alleles (0.00047%); highest among the groups gnomAD compares: East Asian, 0.0083%; no homozygotes.

Submissions (2):

Ambry Genetics
Classification: Uncertain significance for Inborn genetic diseases. Last evaluated: 2024-04-24. Review status: criteria provided, single submitter. Criteria: Ambry Variant Classification Scheme 2023. Collection method: clinical testing. Allele origin: germline.

Labcorp Genetics (formerly Invitae), Labcorp
Classification: Uncertain significance. Last evaluated: 2022-09-01. Review status: criteria provided, single submitter. Criteria: Invitae Variant Classification Sherloc (09022015). Collection method: clinical testing. Allele origin: germline.
Comment: In summary, the available evidence is currently insufficient to determine the role of this variant in disease. Therefore, it has been classified as a Variant of Uncertain Significance. Algorithms developed to predict the effect of missense changes on protein structure and function (SIFT, PolyPhen-2, Align-GVGD) all suggest that this variant is likely to be tolerated. This variant has not been reported in the literature in individuals affected with MTFMT-related conditions. This variant is present in population databases (no rsID available, gnomAD 0.01%). This sequence change replaces histidine, which is basic and polar, with proline, which is neutral and non-polar, at codon 15 of the MTFMT protein (p.His15Pro).

NM_139242.4(MTFMT):c.44A>C (p.His15Pro)

Gene: MTFMT (mitochondrial methionyl-tRNA formyltransferase; minus strand). Cytogenetic location: 15q22.31.
Variant type: single nucleotide variant.
Coding change: c.44A>C on transcript NM_139242.4 (MANE Select); coding-DNA position 44, A replaced by C.
Protein change: p.His15Pro; replaces histidine 15 with proline.
Molecular consequence: missense variant.
Genome position (GRCh38, 1-based): chr15:65,029,570, T>G on the plus strand (A>C on the coding strand, the complement: MTFMT is on the minus strand). VCF-style: chr15-65029570-T-G. GRCh37 (hg19) VCF-style: chr15-65321908-T-G.
Other names: c.44A>C (NM_139242.3); short protein forms H15P.
Identifiers: ClinVar variation 1919955 (VCV001919955.6), dbSNP rs935174845, ClinGen allele CA392863517.